The following is an entry in ClinVar:

ClinVar aggregate classification (germline): Uncertain significance. Review status: criteria provided, multiple submitters, no conflicts (2 of 4 stars). 4 submissions from 4 submitters: Uncertain significance (4). Last evaluated 2025-09-04.

Conditions:
CSF1R-related disorder. Also called: CSF1R-related condition. Identifiers: MedGen CN379780, MONDO:0100632.

Submissions (4):

Mayo Clinic Laboratories, Mayo Clinic
Classification: Uncertain significance. Last evaluated: 2025-09-04. Review status: criteria provided, single submitter. Criteria: ACMG Guidelines, 2015. Collection method: clinical testing. Allele origin: germline. Observed: 1 variant allele.

Labcorp Genetics (formerly Invitae), Labcorp
Classification: Uncertain significance. Last evaluated: 2025-05-08. Review status: criteria provided, single submitter. Criteria: Invitae Variant Classification Sherloc (09022015). Collection method: clinical testing. Allele origin: germline.
Comment: This variant, c.2833_2835del, results in the deletion of 1 amino acid(s) of the CSF1R protein (p.Glu945del), but otherwise preserves the integrity of the reading frame. This variant is present in population databases (rs753736284, gnomAD 0.02%). This variant has not been reported in the literature in individuals affected with CSF1R-related conditions. ClinVar contains an entry for this variant (Variation ID: 1354894). Experimental studies and prediction algorithms are not available or were not evaluated, and the functional significance of this variant is currently unknown. In summary, the available evidence is currently insufficient to determine the role of this variant in disease. Therefore, it has been classified as a Variant of Uncertain Significance.

PreventionGenetics, part of Exact Sciences
Classification: Uncertain significance for CSF1R-related condition. Last evaluated: 2024-10-19. Review status: criteria provided, single submitter. Criteria: ACMG Guidelines, 2015. Collection method: clinical testing. Allele origin: germline.
Comment: The CSF1R c.2833_2835delGAG variant is predicted to result in an in-frame deletion (p.Glu945del). This variant was reported as uncertain significance in a family with a neurological disorder; however, the proband in this family harbored another likely pathogenic variant in the CSF1R gene (Jiang et al. 2022. PubMed ID: 35721475). This variant is reported in 0.016% of alleles in individuals of African descent in gnomAD. At this time, the clinical significance of this variant is uncertain due to the absence of conclusive functional and genetic evidence.

GeneDx
Classification: Uncertain significance. Last evaluated: 2023-11-14. Review status: criteria provided, single submitter. Criteria: GeneDx Variant Classification Process June 2021. Collection method: clinical testing. Allele origin: germline. Affected: yes.
Comment: In-frame deletion of 1 amino acid in a repetitive region with no known function; Has not been previously published as pathogenic or benign to our knowledge

NM_001288705.3(CSF1R):c.2827GAG[2] (p.Glu945del)

Gene: CSF1R (colony stimulating factor 1 receptor; minus strand). Cytogenetic location: 5q32.
Variant type: Microsatellite.
Coding change: c.2827GAG[2] on transcript NM_001288705.3 (MANE Select); two copies in a row of the 3-base unit GAG starting at c.2827; the reference has three copies in a row; one copy, 3 bases deleted.
Protein change: p.Glu945del; deletes glutamic acid 945.
Molecular consequence: inframe deletion. On other transcripts: non-coding transcript variant (2).
Genome position (GRCh38, 1-based): chr5:150,054,153-150,054,155, CTC deleted on the plus strand (GAG on the coding strand, the reverse complement: CSF1R is on the minus strand); deleting any 3 consecutive bases within chr5:150,054,153-150,054,162 gives the same sequence; the position shown is the placement nearest the transcript's 3' end. VCF-style (leftmost placement, unchanged base first): chr5-150054152-TCTC-T. GRCh37 (hg19) VCF-style: chr5-149433715-TCTC-T.
Other names: p.Glu945del; c.2827GAG[2], p.Glu945del (NM_001349736.2, NM_001375320.1, NM_005211.4); c.2383GAG[2], p.Glu797del (NM_001375321.1); c.2833_2835delGAG (NM_005211.3); c.2833_2835del (NM_005211.3); short protein forms E945del, E797del.
Identifiers: ClinVar variation 1354894 (VCV001354894.9), dbSNP rs753736284, ClinGen allele CA3506308.